The following is an entry in ClinVar:

ClinVar aggregate classification (germline): Uncertain significance. Review status: criteria provided, multiple submitters, no conflicts (2 of 4 stars). 2 submissions from 2 submitters: Uncertain significance (2). Last evaluated 2024-09-04.

Conditions:
Cardiovascular phenotype. Identifiers: MedGen CN230736.

Allele frequency attached by ClinVar (database versions not stated): TOPMed 0.00003; gnomAD 0.00003.
gnomAD v4.1: 4 of 1,613,512 alleles (0.00025%); highest among the groups gnomAD compares: African/African-American, 0.0053%; no homozygotes.

Submissions (2):

Revvity Omics, Revvity
Classification: Uncertain significance. Last evaluated: 2024-09-04. Review status: criteria provided, single submitter. Criteria: ACMG Guidelines, 2015. Collection method: clinical testing. Allele origin: germline.

Ambry Genetics
Classification: Uncertain significance for Cardiovascular phenotype. Last evaluated: 2019-05-24. Review status: criteria provided, single submitter. Criteria: Ambry Variant Classification Scheme 2023. Collection method: clinical testing. Allele origin: germline.
Comment: The p.E17864K variant (also known as c.53590G>A), located in coding exon 153 of the TTN gene, results from a G to A substitution at nucleotide position 53590. The glutamic acid at codon 17864 is replaced by lysine, an amino acid with similar properties. This amino acid position is not well conserved in available vertebrate species. In addition, this alteration is predicted to be tolerated by in silico analysis. Since supporting evidence is limited at this time, the clinical significance of this alteration remains unclear.

NM_001267550.2(TTN):c.80785G>A (p.Glu26929Lys)

Genes: TTN (titin; minus strand), TTN-AS1 (TTN antisense RNA 1; plus strand). Cytogenetic location: 2q31.2.
Variant type: single nucleotide variant.
Coding change: c.80785G>A on transcript NM_001267550.2 (MANE Select); coding-DNA position 80785, G replaced by A.
Protein change: p.Glu26929Lys; replaces glutamic acid 26929 with lysine.
Molecular consequence: missense variant.
Genome position (GRCh38, 1-based): chr2:178,565,347, C>T on the plus strand (G>A on the coding strand, the complement: TTN is on the minus strand). VCF-style: chr2-178565347-C-T. GRCh37 (hg19) VCF-style: chr2-179430074-C-T.
Other names: c.75862G>A, p.Glu25288Lys (NM_001256850.1); c.53590G>A, p.Glu17864Lys (NM_003319.4); c.73081G>A, p.Glu24361Lys (NM_133378.4); c.53965G>A, p.Glu17989Lys (NM_133432.3); c.54166G>A, p.Glu18056Lys (NM_133437.4); short protein forms E17989K, E26929K, E25288K, E17864K, E24361K, E18056K.
Identifiers: ClinVar variation 1747039 (VCV001747039.5), dbSNP rs878894717, ClinGen allele CA60988684.
Genomic context (GRCh38, chr2:178,565,347, plus strand): 5'-TTCCAAAGTCATCTTTGTTACCTTCTTTAATGTGCAAAACAGTTGAGGTAGCTGTTTCTT[C>T]AACGTTTACTCTTGTTGTCTGTTTAAGAGGCTCACCATCTTTGACCCAAGAAATGTTAGG-3'
Protein context (NP_001254479.2, residues 26919-26939): PLKQTTRVNV[Glu26929Lys]ETATSTVLHI